The following is an entry in ClinVar:

NM_016169.4(SUFU):c.911-8C>A

Gene: SUFU (SUFU negative regulator of hedgehog signaling; plus strand). Cytogenetic location: 10q24.32.
Variant type: single nucleotide variant.
Coding change: c.911-8C>A on transcript NM_016169.4 (MANE Select); 8 bases into the intron before coding-DNA position 911, C replaced by A.
Molecular consequence: intron variant.
Genome position (GRCh38, 1-based): chr10:102,599,425, C>A. VCF-style: chr10-102599425-C-A. GRCh37 (hg19) VCF-style: chr10-104359182-C-A.
Other names: c.911-8C>A (NM_001178133.2).
Identifiers: ClinVar variation 1765861 (VCV001765861.2), dbSNP rs771361493, ClinGen allele CA2580081201.

ClinVar aggregate classification (germline): Likely pathogenic (1 of 4 stars; one submission).

Conditions:
Hereditary cancer-predisposing syndrome. Also called: Neoplastic Syndromes, Hereditary; Tumor predisposition; Hereditary Cancer Syndrome; Hereditary neoplastic syndrome. Identifiers: Orphanet 140162, MedGen C0027672, MeSH D009386, MONDO:0015356.

gnomAD v4.1: 1 of 1,608,704 alleles (0.000062%); highest among the groups gnomAD compares: South Asian, 0.0011%; no homozygotes.

Submission:

Ambry Genetics
Classification: Likely pathogenic for Hereditary cancer-predisposing syndrome. Last evaluated: 2019-05-03. Review status: criteria provided, single submitter. Criteria: Ambry Variant Classification Scheme 2023. Collection method: clinical testing. Allele origin: germline.
Comment: The c.911-8C>A intronic variant results from a C to A substitution 8 nucleotides upstream from coding exon 8 in the SUFU gene. This nucleotide position is poorly conserved in available vertebrate species, however adenine is not an observed substitution. Using the BDGP and ESEfinder splice site prediction tools, this alteration is predicted to weaken the efficiency of the native splice acceptor site. RNA studies have demonstrated this alteration results in abnormal splicing in the set of samples tested (Ambry internal data). SUFU c.1022+1G>A is an alteration at the splice donor site of exon 8 and results in the same aberrant out-of-frame transcript lacking exon 8. This donor site alteration was identified in two individuals from the same family with features of Gorlin syndrome (Pastorino L et al. Am. J. Med. Genet. A, 2009 Jul;149A:1539-43). Based on the majority of available evidence to date, this variant is likely to be pathogenic.

Literature cited by the submitters: PubMed 12068298; PubMed 19533801.